The following is an entry in ClinVar:

ClinVar aggregate classification (germline): Pathogenic (1 of 4 stars; one submission).

Conditions:
Duchenne muscular dystrophy (DMD). Also called: MUSCULAR DYSTROPHY, PSEUDOHYPERTROPHIC PROGRESSIVE, DUCHENNE TYPE; Duchenne Muscular Dystrophy (DMD). Identifiers: Orphanet 98896, MedGen C0013264, MONDO:0010679, OMIM 310200.

Submission:

Labcorp Genetics (formerly Invitae), Labcorp
Classification: Pathogenic for Duchenne muscular dystrophy. Last evaluated: 2022-08-06. Review status: criteria provided, single submitter. Criteria: Invitae Variant Classification Sherloc (09022015). Collection method: clinical testing. Allele origin: germline.
Comment: For these reasons, this variant has been classified as Pathogenic. A similar copy number variant has been observed in individuals with Duchenne muscular dystrophy (PMID: 15637982, 18752307, 21515508). This variant is a gross deletion of the genomic region encompassing exon(s) 3-44 of the DMD gene. This variant would be expected to be in-frame, preserving the integrity of the reading frame.

Literature cited by the submitters: PubMed 15637982; PubMed 18752307; PubMed 21515508.

NC_000023.11:g.(?_32216896)_(32849840_?)del

Genes: DMD (dystrophin; minus strand), MIR3915 (microRNA 3915; minus strand), MIR548F5 (microRNA 548f-5; minus strand). Cytogenetic location: Xp21.1.
Variant type: Deletion.
Identifiers: ClinVar variation 584324 (VCV000584324.9).